The following is an entry in ClinVar:

NM_000085.5(CLCNKB):c.1438del (p.His480fs)

Genes: CLCNKB (chloride voltage-gated channel Kb; plus strand), LOC106501713 (CLCNKB recombination region; plus strand). Cytogenetic location: 1p36.13.
Variant type: Deletion.
Coding change: c.1438del on transcript NM_000085.5 (MANE Select); coding-DNA position 1438, one base deleted (C; older notation c.1438delC).
Protein change: p.His480fs; shifts the reading frame from histidine 480.
Molecular consequence: frameshift variant.
Genome position (GRCh38, 1-based): chr1:16,052,227, C deleted; the last of 3 consecutive C bases (chr1:16,052,225-16,052,227); deleting any one gives the same sequence. VCF-style (leftmost placement, unchanged base first): chr1-16052224-AC-A. GRCh37 (hg19) VCF-style: chr1-16378719-AC-A.
Other names: c.931del, p.His311fs (NM_001165945.2); short protein forms H311fs, H480fs.
Identifiers: ClinVar variation 1934472 (VCV001934472.5), dbSNP rs1345239508, ClinGen allele CA521460414.
Genomic context (GRCh38, chr1:16,052,224, plus strand): 5'-GCCTGAGCTGCCCTGCCTGACTCTGCCCTTGCAGGGGCTGCAGCCTTCTCAGGGGCTGTG[AC>A]CCACACCATCTCCACGGCGCTGCTGGCCTTCGAGGTGACCGGCCAGATAGTGCATGCACT-3'

ClinVar aggregate classification (germline): Pathogenic (1 of 4 stars; one submission).

Submission:

Labcorp Genetics (formerly Invitae), Labcorp
Classification: Pathogenic. Last evaluated: 2022-08-24. Review status: criteria provided, single submitter. Criteria: Invitae Variant Classification Sherloc (09022015). Collection method: clinical testing. Allele origin: germline.
Comment: This sequence change creates a premature translational stop signal (p.His480Thrfs*12) in the CLCNKB gene. It is expected to result in an absent or disrupted protein product. Loss-of-function variants in CLCNKB are known to be pathogenic (PMID: 24830959, 26920127, 28381550, 29254190). This variant is present in population databases (no rsID available, gnomAD 0.0009%). This variant has not been reported in the literature in individuals affected with CLCNKB-related conditions. For these reasons, this variant has been classified as Pathogenic.

Literature cited by the submitters: PubMed 24830959; PubMed 26920127; PubMed 28381550; PubMed 29254190.